The following is an entry in ClinVar:

NM_000384.3(APOB):c.2604C>A (p.Asn868Lys)

Gene: APOB (apolipoprotein B; minus strand). Cytogenetic location: 2p24.1.
Variant type: single nucleotide variant.
Coding change: c.2604C>A on transcript NM_000384.3 (MANE Select); coding-DNA position 2604, C replaced by A.
Protein change: p.Asn868Lys; replaces asparagine 868 with lysine.
Molecular consequence: missense variant.
Genome position (GRCh38, 1-based): chr2:21,023,525, G>T on the plus strand (C>A on the coding strand, the complement: APOB is on the minus strand). VCF-style: chr2-21023525-G-T. GRCh37 (hg19) VCF-style: chr2-21246397-G-T.
Other names: short protein forms N868K.
Identifiers: ClinVar variation 2943360 (VCV002943360.3), dbSNP rs760762945, ClinGen allele CA346010929.

ClinVar aggregate classification (germline): Uncertain significance (1 of 4 stars; one submission).

Conditions:
Familial hypobetalipoproteinemia 1. Also called: APOB-Related Familial Hypobetalipoproteinemia; Hypobetalipoproteinemia, normotriglyceridemic; Acanthocytosis with hypobetalipoproteinemia. Identifiers: MedGen C4551990, MONDO:0014252, OMIM 615558.
Hypercholesterolemia, autosomal dominant, type B (FHCL2). Also called: Familial Hypercholesterolemia Type B; APOLIPOPROTEIN B-100, FAMILIAL DEFECTIVE; APOLIPOPROTEIN B-100, FAMILIAL LIGAND-DEFECTIVE; HYPERCHOLESTEROLEMIA, FAMILIAL, DUE TO LIGAND-DEFECTIVE APOLIPOPROTEIN B; Hyperlipoproteinemia Type IIb; Familial hypercholesterolemia 2. Identifiers: MedGen C1704417, MONDO:0007751, OMIM 144010.

Submission:

Labcorp Genetics (formerly Invitae), Labcorp
Classification: Uncertain significance for Familial hypobetalipoproteinemia 1; Hypercholesterolemia, autosomal dominant, type B. Last evaluated: 2023-12-09. Review status: criteria provided, single submitter. Criteria: Invitae Variant Classification Sherloc (09022015). Collection method: clinical testing. Allele origin: germline.
Comment: This sequence change replaces asparagine, which is neutral and polar, with lysine, which is basic and polar, at codon 868 of the APOB protein (p.Asn868Lys). This variant is not present in population databases (gnomAD no frequency). This variant has not been reported in the literature in individuals affected with APOB-related conditions. Algorithms developed to predict the effect of missense changes on protein structure and function output the following: SIFT: "Not Available"; PolyPhen-2: "Benign"; Align-GVGD: "Not Available". The lysine amino acid residue is found in multiple mammalian species, which suggests that this missense change does not adversely affect protein function. In summary, the available evidence is currently insufficient to determine the role of this variant in disease. Therefore, it has been classified as a Variant of Uncertain Significance.